The following is an entry in ClinVar:

NM_004752.4(GCM2):c.1069C>G (p.Arg357Gly)

Gene: GCM2 (glial cells missing transcription factor 2; minus strand). Cytogenetic location: 6p24.2.
Variant type: single nucleotide variant.
Coding change: c.1069C>G on transcript NM_004752.4 (MANE Select); coding-DNA position 1069, C replaced by G.
Protein change: p.Arg357Gly; replaces arginine 357 with glycine.
Molecular consequence: missense variant.
Genome position (GRCh38, 1-based): chr6:10,874,447, G>C on the plus strand (C>G on the coding strand, the complement: GCM2 is on the minus strand). VCF-style: chr6-10874447-G-C. GRCh37 (hg19) VCF-style: chr6-10874680-G-C.
Other names: short protein forms R357G.
Identifiers: ClinVar variation 4848304 (VCV004848304.1).

ClinVar aggregate classification (germline): Uncertain significance (1 of 4 stars; one submission).

Submission:

Women's Health and Genetics/Laboratory Corporation of America, LabCorp
Classification: Uncertain significance. Last evaluated: 2026-02-17. Review status: criteria provided, single submitter. Criteria: LabCorp Variant Classification Summary - May 2015. Collection method: clinical testing. Allele origin: germline.
Comment: Variant summary: GCM2 c.1069C>G (p.Arg357Gly) results in a non-conservative amino acid change in the encoded protein sequence. Algorithms developed to predict the effect of missense changes on protein structure and function are either unavailable or do not agree on the potential impact of this missense change. The variant was absent in 251474 control chromosomes. The available data on variant occurrences in the general population are insufficient to allow any conclusion about variant significance. To our knowledge, no occurrence of c.1069C>G in individuals affected with GCM2-related conditions and no experimental evidence demonstrating its impact on protein function have been reported. No submitters have cited clinical-significance assessments for this variant to ClinVar. Based on the evidence outlined above, the variant was classified as uncertain significance.